The following is an entry in ClinVar:

ClinVar aggregate classification (germline): Uncertain significance (1 of 4 stars; one submission).

Allele frequency attached by ClinVar (database versions not stated): gnomAD exomes 0.00001; gnomAD 0.00002; TOPMed 0.00009.

Submission:

Labcorp Genetics (formerly Invitae), Labcorp
Classification: Uncertain significance. Last evaluated: 2022-10-18. Review status: criteria provided, single submitter. Criteria: Invitae Variant Classification Sherloc (09022015). Collection method: clinical testing. Allele origin: germline.
Comment: This variant has not been reported in the literature in individuals affected with GCGR-related conditions. Experimental studies and prediction algorithms are not available or were not evaluated, and the functional significance of this variant is currently unknown. In summary, the available evidence is currently insufficient to determine the role of this variant in disease. Therefore, it has been classified as a Variant of Uncertain Significance. This variant is present in population databases (no rsID available, gnomAD 0.007%). This sequence change creates a premature translational stop signal (p.Trp304*) in the GCGR gene. It is expected to result in an absent or disrupted protein product. However, the current clinical and genetic evidence is not sufficient to establish whether loss-of-function variants in GCGR cause disease.

NM_000160.5(GCGR):c.912G>A (p.Trp304Ter)

Gene: GCGR (glucagon receptor; plus strand). Cytogenetic location: 17q25.3.
Variant type: single nucleotide variant.
Coding change: c.912G>A on transcript NM_000160.5 (MANE Select); coding-DNA position 912, G replaced by A.
Protein change: p.Trp304Ter; replaces tryptophan 304 with a stop codon.
Molecular consequence: nonsense.
Genome position (GRCh38, 1-based): chr17:81,812,216, G>A. VCF-style: chr17-81812216-G-A. GRCh37 (hg19) VCF-style: chr17-79770092-G-A.
Other names: short protein forms W304*.
Identifiers: ClinVar variation 2414247 (VCV002414247.6), dbSNP rs911455809, ClinGen allele CA295101079.
Genomic context (GRCh38, chr17:81,812,216, plus strand): 5'-CAGTATGTGAGTGGCCTGGCCTCGCAGGTGCTGGACCAGCAATGACAACATGGGCTTCTG[G>A]TGGATCCTGCGGTTCCCCGTCTTCCTGGCCATCCTGGTGAGGAAATGAAGAGCCAGGAGC-3'